The following is an entry in ClinVar:

ClinVar aggregate classification (germline): Uncertain significance (1 of 4 stars; one submission).

Conditions:
Short-rib thoracic dysplasia 6 with or without polydactyly (SRTD6). Also called: SHORT RIB-POLYDACTYLY SYNDROME, TYPE IIA; SHORT-RIB THORACIC DYSPLASIA 6 WITH POLYDACTYLY; SHORT-RIB THORACIC DYSPLASIA 6 WITHOUT POLYDACTYLY; POLYDACTYLY WITH NEONATAL CHONDRODYSTROPHY, TYPE II; Majewski Syndrome. Identifiers: MedGen C0024507, MONDO:0009894, OMIM 263520.

Allele frequency attached by ClinVar (database versions not stated): TOPMed below 0.00001; ExAC 0.00001; gnomAD exomes 0.00001.
gnomAD v4.1: 9 of 1,613,906 alleles (0.00056%); highest among the groups gnomAD compares: Admixed American, 0.0033%; no homozygotes.

Submission:

Labcorp Genetics (formerly Invitae), Labcorp
Classification: Uncertain significance for Short-rib thoracic dysplasia 6 with or without polydactyly. Last evaluated: 2023-11-18. Review status: criteria provided, single submitter. Criteria: Invitae Variant Classification Sherloc (09022015). Collection method: clinical testing. Allele origin: germline.
Comment: This sequence change replaces glutamine, which is neutral and polar, with arginine, which is basic and polar, at codon 1003 of the NEK1 protein (p.Gln1003Arg). This variant is present in population databases (rs748055814, gnomAD 0.003%). This variant has not been reported in the literature in individuals affected with NEK1-related conditions. Advanced modeling of protein sequence and biophysical properties (such as structural, functional, and spatial information, amino acid conservation, physicochemical variation, residue mobility, and thermodynamic stability) performed at Invitae indicates that this missense variant is not expected to disrupt NEK1 protein function with a negative predictive value of 80%. In summary, the available evidence is currently insufficient to determine the role of this variant in disease. Therefore, it has been classified as a Variant of Uncertain Significance.

NM_001199397.3(NEK1):c.3092A>G (p.Gln1031Arg)

Gene: NEK1 (NIMA related kinase 1; minus strand). Cytogenetic location: 4q33.
Variant type: single nucleotide variant.
Coding change: c.3092A>G on transcript NM_001199397.3 (MANE Select); coding-DNA position 3092, A replaced by G.
Protein change: p.Gln1031Arg; replaces glutamine 1031 with arginine.
Molecular consequence: missense variant. On other transcripts: non-coding transcript variant (1).
Genome position (GRCh38, 1-based): chr4:169,424,683, T>C on the plus strand (A>G on the coding strand, the complement: NEK1 is on the minus strand). VCF-style: chr4-169424683-T-C. GRCh37 (hg19) VCF-style: chr4-170345834-T-C.
Other names: c.2960A>G, p.Gln987Arg (NM_001199398.3); c.2801A>G, p.Gln934Arg (NM_001199399.3); c.2876A>G, p.Gln959Arg (NM_001199400.3); c.3092A>G, p.Gln1031Arg (NM_001374418.1); c.3008A>G, p.Gln1003Arg (NM_001374419.1, NM_012224.4); c.2957A>G, p.Gln986Arg (NM_001374420.1); c.2609A>G, p.Gln870Arg (NM_001374421.1); short protein forms Q870R, Q986R, Q987R, Q1003R, Q1031R, Q934R, Q959R.
Identifiers: ClinVar variation 3002099 (VCV003002099.3), dbSNP rs748055814, ClinGen allele CA3137241.
Genomic context (GRCh38, chr4:169,424,683, plus strand): 5'-GGTGGTAAATGCGAGTGAGATCGAAATGCAAAGGATTCTTCTGGTGAACACTGAACTGAT[T>C]GAACTTGAGGGACTAAGTTCAAGTGTTCAGAATGAACCACCTTATGGAAAAATGGTTCCG-3'
Protein context (NP_001186326.1, residues 1021-1041): SEHLNLVPQV[Gln1031Arg]SVQCSPEESF